The following is an entry in ClinVar:

ClinVar aggregate classification (germline): Uncertain significance. Review status: criteria provided, multiple submitters, no conflicts (2 of 4 stars). 6 submissions from 6 submitters: Uncertain significance (4). 2 of the submissions do not count toward it. Last evaluated 2025-07-02.

Conditions:
DOCK6-related disorder. Also called: DOCK6-related condition.
Adams-Oliver syndrome 2 (AOS2). Identifiers: Orphanet 974, MedGen C3280182, MONDO:0013635, OMIM 614219.

Allele frequency attached by ClinVar (database versions not stated): ExAC 0.00015; 1000 Genomes Project 30x 0.00016; gnomAD 0.00016; TOPMed 0.00016; gnomAD exomes 0.00017; 1000 Genomes Project 0.00020; ESP Exome Variant Server 0.00023.
gnomAD v4.1: 606 of 1,612,778 alleles (0.038%); highest among the groups gnomAD compares: Non-Finnish European, 0.048%; 2 homozygotes.

Submissions (6):

Women's Health and Genetics/Laboratory Corporation of America, LabCorp
Classification: Uncertain significance. Last evaluated: 2025-07-02. Review status: criteria provided, single submitter. Criteria: LabCorp Variant Classification Summary - May 2015. Collection method: clinical testing. Allele origin: germline.
Comment: Variant summary: DOCK6 c.4469G>A (p.Arg1490Gln) results in a conservative amino acid change in the encoded protein sequence. Algorithms developed to predict the effect of missense changes on protein structure and function are either unavailable or do not agree on the potential impact of this missense change. The variant allele was found at a frequency of 0.00017 in 247926 control chromosomes. This frequency is not significantly higher than estimated for a pathogenic variant in DOCK6 causing Adams-Oliver Syndrome 2, allowing no conclusion about variant significance. To our knowledge, no occurrence of c.4469G>A in individuals affected with Adams-Oliver Syndrome 2 and no experimental evidence demonstrating its impact on protein function have been reported. ClinVar contains an entry for this variant (Variation ID: 202182). Based on the evidence outlined above, the variant was classified as uncertain significance.

Blueprint Genetics
Classification: Uncertain significance. Last evaluated: 2024-10-04. Review status: criteria provided, single submitter. Criteria: ACMG Guidelines, 2015. Collection method: clinical testing. Allele origin: germline.

GeneDx
Classification: Uncertain significance. Last evaluated: 2024-05-14. Review status: criteria provided, single submitter. Criteria: GeneDx Variant Classification Process June 2021. Collection method: clinical testing. Allele origin: germline. Affected: yes.
Comment: In silico analysis supports that this missense variant has a deleterious effect on protein structure/function; Has not been previously published as pathogenic or benign to our knowledge; This variant is associated with the following publications: (PMID: 31589614)

Labcorp Genetics (formerly Invitae), Labcorp
Classification: Uncertain significance. Last evaluated: 2022-08-19. Review status: criteria provided, single submitter. Criteria: Invitae Variant Classification Sherloc (09022015). Collection method: clinical testing. Allele origin: germline.
Comment: This sequence change replaces arginine, which is basic and polar, with glutamine, which is neutral and polar, at codon 1490 of the DOCK6 protein (p.Arg1490Gln). This variant is present in population databases (rs200472954, gnomAD 0.03%). This variant has not been reported in the literature in individuals affected with DOCK6-related conditions. ClinVar contains an entry for this variant (Variation ID: 202182). Algorithms developed to predict the effect of missense changes on protein structure and function are either unavailable or do not agree on the potential impact of this missense change (SIFT: "Deleterious"; PolyPhen-2: "Probably Damaging"; Align-GVGD: "Class C0"). In summary, the available evidence is currently insufficient to determine the role of this variant in disease. Therefore, it has been classified as a Variant of Uncertain Significance.

PreventionGenetics, part of Exact Sciences
Classification: Uncertain significance for DOCK6-related condition. Last evaluated: 2024-02-21. Review status: no assertion criteria provided. Collection method: clinical testing. Allele origin: germline. Not counted in ClinVar's aggregate classification.
Comment: The DOCK6 c.4469G>A variant is predicted to result in the amino acid substitution p.Arg1490Gln. To our knowledge, this variant has not been documented in any individuals affected with DOCK6-related Adams-Oliver syndrome type 2. It is reported in a single heterozygous individual from a carrier screening paper (Capalbo et al 2019. PubMed ID: 31589614). This variant is reported in 0.029% of alleles in individuals of European (Non-Finnish) descent in gnomAD. At this time, the clinical significance of this variant is uncertain due to the absence of conclusive functional and genetic evidence.

Mendelics
Classification: Likely pathogenic for Adams-Oliver syndrome 2. Last evaluated: 2013-09-24. Review status: no assertion criteria provided. Collection method: clinical testing. Allele origin: unknown. Affected: yes. Not counted in ClinVar's aggregate classification.

Literature cited by the submitters: PubMed 21820096 (cited by Mendelics).

NM_020812.4(DOCK6):c.4469G>A (p.Arg1490Gln)

Genes: DOCK6 (dedicator of cytokinesis 6; minus strand), DOCK6-AS1 (DOCK6 antisense RNA 1; plus strand). Cytogenetic location: 19p13.2.
Variant type: single nucleotide variant.
Coding change: c.4469G>A on transcript NM_020812.4 (MANE Select); coding-DNA position 4469, G replaced by A.
Protein change: p.Arg1490Gln; replaces arginine 1490 with glutamine.
Molecular consequence: missense variant.
Genome position (GRCh38, 1-based): chr19:11,213,198, C>T on the plus strand (G>A on the coding strand, the complement: DOCK6 is on the minus strand). VCF-style: chr19-11213198-C-T. GRCh37 (hg19) VCF-style: chr19-11323874-C-T.
Other names: c.4469G>A (NM_020812.3); c.4574G>A, p.Arg1525Gln (NM_001367830.1); short protein forms R1490Q, R1525Q.
Identifiers: ClinVar variation 202182 (VCV000202182.10), dbSNP rs200472954, ClinGen allele CA251346.